The following is an entry in ClinVar:

NM_004646.4(NPHS1):c.-479G>A

Genes: KIRREL2 (kirre like nephrin family adhesion molecule 2; plus strand), NPHS1 (NPHS1 adhesion molecule, nephrin; minus strand). Cytogenetic location: 19q13.12.
Variant type: single nucleotide variant.
Coding change: c.-479G>A on transcript NM_004646.4 (MANE Select); 479 bases upstream of the start codon, G replaced by A.
Molecular consequence: 5 prime UTR variant.
Genome position (GRCh38, 1-based): chr19:35,852,316, C>T on the plus strand (G>A on the coding strand, the complement: NPHS1 is on the minus strand). VCF-style: chr19-35852316-C-T. GRCh37 (hg19) VCF-style: chr19-36343218-C-T.
Identifiers: ClinVar variation 4984794 (VCV004984794.1).
Genomic context (GRCh38, chr19:35,852,316, plus strand): 5'-GTCTAAGCCGTTCTCTCTCCTTTTGTCTCTGTCTCTTCCTCTCTCTCTGTCTCTCTCTCT[C>T]TCTCTCTCTCAATCTCTATCTTCTCTCCTGCCACCCCTCACTCCTGCTCCTTGTCTCACT-3'

ClinVar aggregate classification (germline): Likely benign (1 of 4 stars; one submission).

Conditions:
NPHS1-related disorder. Also called: NPHS1-related condition.

gnomAD v4.1: 1 of 151,974 alleles (0.00066%); highest among the groups gnomAD compares: South Asian, 0.021%; no homozygotes.

Submission:

PreventionGenetics, part of Exact Sciences
Classification: Likely benign for NPHS1-related condition. Last evaluated: 2026-04-01. Review status: criteria provided, single submitter. Criteria: ACMG Guidelines, 2015. Collection method: clinical testing. Allele origin: germline.
Comment: This variant is classified as likely benign based on ACMG/AMP sequence variant interpretation guidelines (Richards et al. 2015 PMID: 25741868, with internal and published modifications).